The following is an entry in ClinVar:

NM_001277115.2(DNAH11):c.12310C>T (p.Arg4104Ter)

Gene: DNAH11 (dynein axonemal heavy chain 11; plus strand). Cytogenetic location: 7p15.3.
Variant type: single nucleotide variant.
Coding change: c.12310C>T on transcript NM_001277115.2 (MANE Select); coding-DNA position 12310, C replaced by T.
Protein change: p.Arg4104Ter; replaces arginine 4104 with a stop codon.
Molecular consequence: nonsense.
Genome position (GRCh38, 1-based): chr7:21,880,816, C>T. VCF-style: chr7-21880816-C-T. GRCh37 (hg19) VCF-style: chr7-21920434-C-T.
Other names: short protein forms R4104*.
Identifiers: ClinVar variation 952407 (VCV000952407.9), dbSNP rs775230957, ClinGen allele CA4183031.

ClinVar aggregate classification (germline): Pathogenic. Review status: criteria provided, multiple submitters, no conflicts (2 of 4 stars). 3 submissions from 3 submitters: Pathogenic (3). Last evaluated 2025-11-29.

Conditions:
Primary ciliary dyskinesia. Also called: Ciliary dyskinesia. Identifiers: Orphanet 244, MedGen C0008780, MONDO:0016575, HP:0012265.
Primary ciliary dyskinesia 7. Also called: CILIARY DYSKINESIA, PRIMARY, 7, WITH OR WITHOUT SITUS INVERSUS. Identifiers: Orphanet 244, MedGen C2678473, MONDO:0012748, OMIM 611884.

Allele frequency attached by ClinVar (database versions not stated): gnomAD exomes below 0.00001 and 0.00001; TOPMed below 0.00001; ExAC 0.00002.
gnomAD v4.1: 7 of 1,613,938 alleles (0.00043%); highest among the groups gnomAD compares: East Asian, 0.013%; no homozygotes.

Submissions (3):

Dasa
Classification: Pathogenic. Last evaluated: 2025-11-29. Review status: criteria provided, single submitter. Criteria: DASA Assertion Criteria. Collection method: clinical testing. Allele origin: germline.
Comment: NM_001277115.2(DNAH11):c.12310C>T (p.Arg4104*) introduces a premature termination codon predicted to result in loss of normal protein function. Loss-of-function is an established mechanism of disease for this gene. This variant has been reported in individuals with related phenotype (PMID: 36864285). Segregation evidence has been reported in affected families. The variant is present at low frequency in population datasets. Based on the available data, this variant is classified as pathogenic.

Women's Health and Genetics/Laboratory Corporation of America, LabCorp
Classification: Pathogenic for Primary ciliary dyskinesia 7. Last evaluated: 2024-12-30. Review status: criteria provided, single submitter. Criteria: LabCorp Variant Classification Summary - May 2015. Collection method: clinical testing. Allele origin: germline.
Comment: Variant summary: DNAH11 c.12310C>T (p.Arg4104X) results in a premature termination codon, predicted to cause a truncation of the encoded protein or absence of the protein due to nonsense mediated decay, which are commonly known mechanisms for disease. The variant allele was found at a frequency of 4e-06 in 249134 control chromosomes (gnomAD). c.12310C>T has been reported in the literature in at least one individual affected with Primary Ciliary Dyskinesia 7 (Xu_2023). To our knowledge, no experimental evidence demonstrating an impact on protein function has been reported. The following publication have been ascertained in the context of this evaluation (PMID: 36864285). ClinVar contains an entry for this variant (Variation ID: 952407). Based on the evidence outlined above, the variant was classified as pathogenic.

Labcorp Genetics (formerly Invitae), Labcorp
Classification: Pathogenic for Primary ciliary dyskinesia. Last evaluated: 2023-11-27. Review status: criteria provided, single submitter. Criteria: Invitae Variant Classification Sherloc (09022015). Collection method: clinical testing. Allele origin: germline.
Comment: This sequence change creates a premature translational stop signal (p.Arg4104*) in the DNAH11 gene. It is expected to result in an absent or disrupted protein product. Loss-of-function variants in DNAH11 are known to be pathogenic (PMID: 18022865, 20513915, 22184204). This variant is present in population databases (rs775230957, gnomAD 0.006%). This variant has not been reported in the literature in individuals affected with DNAH11-related conditions. ClinVar contains an entry for this variant (Variation ID: 952407). For these reasons, this variant has been classified as Pathogenic.

Literature cited by the submitters: PubMed 36864285 (cited by Dasa and Women's Health and Genetics/Laboratory Corporation of America, LabCorp); PubMed 18022865 (cited by Labcorp Genetics (formerly Invitae), Labcorp); PubMed 20513915 (cited by Labcorp Genetics (formerly Invitae), Labcorp); PubMed 22184204 (cited by Labcorp Genetics (formerly Invitae), Labcorp).